The following is an entry in ClinVar:

ClinVar aggregate classification (germline): Uncertain significance (1 of 4 stars; one submission).

Submission:

Labcorp Genetics (formerly Invitae), Labcorp
Classification: Uncertain significance. Last evaluated: 2019-06-22. Review status: criteria provided, single submitter. Criteria: Invitae Variant Classification Sherloc (09022015). Collection method: clinical testing. Allele origin: germline.
Comment: In summary, this variant is a novel missense change with uncertain impact on protein function. It has been classified as a Variant of Uncertain Significance. Algorithms developed to predict the effect of missense changes on protein structure and function do not agree on the potential impact of this missense change (SIFT: "Deleterious"; PolyPhen-2: "Benign"; Align-GVGD: "Class C0"). This variant is not present in population databases (ExAC, no frequency) and has not been reported in the literature in individuals with a MTOR-related disease. This sequence change replaces isoleucine with threonine at codon 130 of the MTOR protein (p.Ile130Thr). The isoleucine residue is weakly conserved and there is a moderate physicochemical difference between isoleucine and threonine.

NM_004958.4(MTOR):c.389T>C (p.Ile130Thr)

Gene: MTOR (mechanistic target of rapamycin kinase; minus strand). Cytogenetic location: 1p36.22.
Variant type: single nucleotide variant.
Coding change: c.389T>C on transcript NM_004958.4 (MANE Select); coding-DNA position 389, T replaced by C.
Protein change: p.Ile130Thr; replaces isoleucine 130 with threonine.
Molecular consequence: missense variant.
Genome position (GRCh38, 1-based): chr1:11,257,048, A>G on the plus strand (T>C on the coding strand, the complement: MTOR is on the minus strand). VCF-style: chr1-11257048-A-G. GRCh37 (hg19) VCF-style: chr1-11317105-A-G.
Other names: c.389T>C (LRG_734t1); short protein forms I130T.
Identifiers: ClinVar variation 408295 (VCV000408295.10), dbSNP rs1060501909, ClinGen allele CA16609855.